The following is an entry in ClinVar:

NM_003334.4(UBA1):c.757G>A (p.Val253Ile)

Gene: UBA1 (ubiquitin like modifier activating enzyme 1; plus strand). Cytogenetic location: Xp11.3.
Variant type: single nucleotide variant.
Coding change: c.757G>A on transcript NM_003334.4 (MANE Select); coding-DNA position 757, G replaced by A.
Protein change: p.Val253Ile; replaces valine 253 with isoleucine.
Molecular consequence: missense variant.
Genome position (GRCh38, 1-based): chrX:47,201,556, G>A. VCF-style: chrX-47201556-G-A. GRCh37 (hg19) VCF-style: chrX-47060955-G-A.
Other names: c.757G>A, p.Val253Ile (NM_153280.3); short protein forms V253I.
Identifiers: ClinVar variation 1759611 (VCV001759611.7), dbSNP rs2521429006, ClinGen allele CA412793764.

ClinVar aggregate classification (germline): Uncertain significance. Review status: criteria provided, multiple submitters, no conflicts (2 of 4 stars). 2 submissions from 2 submitters: Uncertain significance (2). Last evaluated 2022-06-07.

Conditions:
Infantile-onset X-linked spinal muscular atrophy. Also called: AMC, DISTAL, X-LINKED; ARTHROGRYPOSIS, X-LINKED, TYPE I; SPINAL MUSCULAR ATROPHY, X-LINKED LETHAL INFANTILE; Spinal Muscular Atrophy, X-Linked Infantile; Spinal muscular atrophy, X-linked 2. Identifiers: Orphanet 1145, MedGen C1844934, MONDO:0010532, OMIM 301830.
Inborn genetic diseases. Identifiers: MedGen C0950123, MeSH D030342.

Submissions (2):

Ambry Genetics
Classification: Uncertain significance for Inborn genetic diseases. Last evaluated: 2022-06-07. Review status: criteria provided, single submitter. Criteria: Ambry Variant Classification Scheme 2023. Collection method: clinical testing. Allele origin: germline.
Comment: The p.V253I variant (also known as c.757G>A), located in coding exon 7 of the UBA1 gene, results from a G to A substitution at nucleotide position 757. The valine at codon 253 is replaced by isoleucine, an amino acid with highly similar properties. This amino acid position is conserved. In addition, this alteration is predicted to be tolerated by in silico analysis. Since supporting evidence is limited at this time, the clinical significance of this alteration remains unclear.

Labcorp Genetics (formerly Invitae), Labcorp
Classification: Uncertain significance for Infantile-onset X-linked spinal muscular atrophy. Last evaluated: 2022-06-01. Review status: criteria provided, single submitter. Criteria: Invitae Variant Classification Sherloc (09022015). Collection method: clinical testing. Allele origin: germline.
Comment: This sequence change replaces valine, which is neutral and non-polar, with isoleucine, which is neutral and non-polar, at codon 253 of the UBA1 protein (p.Val253Ile). This variant is not present in population databases (gnomAD no frequency). This variant has not been reported in the literature in individuals affected with UBA1-related conditions. Algorithms developed to predict the effect of missense changes on protein structure and function (SIFT, PolyPhen-2, Align-GVGD) all suggest that this variant is likely to be tolerated. Algorithms developed to predict the effect of sequence changes on RNA splicing suggest that this variant may create or strengthen a splice site. In summary, the available evidence is currently insufficient to determine the role of this variant in disease. Therefore, it has been classified as a Variant of Uncertain Significance.